The following is an entry in ClinVar:

ClinVar aggregate classification (germline): Uncertain significance (1 of 4 stars; one submission).

Allele frequency attached by ClinVar (database versions not stated): ExAC 0.00001.
gnomAD v4.1: 2 of 1,613,938 alleles (0.00012%); highest among the groups gnomAD compares: Non-Finnish European, 0.000085%; no homozygotes.

Submission:

Labcorp Genetics (formerly Invitae), Labcorp
Classification: Uncertain significance. Last evaluated: 2022-10-19. Review status: criteria provided, single submitter. Criteria: Invitae Variant Classification Sherloc (09022015). Collection method: clinical testing. Allele origin: germline.
Comment: This sequence change replaces phenylalanine, which is neutral and non-polar, with tyrosine, which is neutral and polar, at codon 871 of the EPHA4 protein (p.Phe871Tyr). This variant is present in population databases (rs756889351, gnomAD 0.01%). This variant has not been reported in the literature in individuals affected with EPHA4-related conditions. Advanced modeling of protein sequence and biophysical properties (such as structural, functional, and spatial information, amino acid conservation, physicochemical variation, residue mobility, and thermodynamic stability) performed at Invitae indicates that this missense variant is expected to disrupt EPHA4 protein function. In summary, the available evidence is currently insufficient to determine the role of this variant in disease. Therefore, it has been classified as a Variant of Uncertain Significance.

NM_004438.5(EPHA4):c.2612T>A (p.Phe871Tyr)

Gene: EPHA4 (EPH receptor A4; minus strand). Cytogenetic location: 2q36.1.
Variant type: single nucleotide variant.
Coding change: c.2612T>A on transcript NM_004438.5 (MANE Select); coding-DNA position 2612, T replaced by A.
Protein change: p.Phe871Tyr; replaces phenylalanine 871 with tyrosine.
Molecular consequence: missense variant.
Genome position (GRCh38, 1-based): chr2:221,430,036, A>T on the plus strand (T>A on the coding strand, the complement: EPHA4 is on the minus strand). VCF-style: chr2-221430036-A-T. GRCh37 (hg19) VCF-style: chr2-222294756-A-T.
Other names: c.2612T>A, p.Phe871Tyr (NM_001304536.2, NM_001363748.2); c.2459T>A, p.Phe820Tyr (NM_001304537.2); short protein forms F871Y, F820Y.
Identifiers: ClinVar variation 2804560 (VCV002804560.3), dbSNP rs756889351, ClinGen allele CA2134729.
Genomic context (GRCh38, chr2:221,430,036, plus strand): 5'-GTCCTCTTCAAGCTGTTGGGGTTGCGGATGAGTTTGTCCAACATGTTGACAATCTGCCCA[A>T]ATTTAGGCCTGTCGCTCCTCTCCTTCTGCCAGCAGTCTAGCATCAGCTGGTGGAGCGCAA-3'
Protein context (NP_004429.1, residues 861-881): WQKERSDRPK[Phe871Tyr]GQIVNMLDKL